The following is an entry in ClinVar:

NM_015681.6(B9D1):c.63+23G>A

Genes: B9D1 (B9 domain containing 1; minus strand), LOC130060455 (ATAC-STARR-seq lymphoblastoid silent region 8288; plus strand). Cytogenetic location: 17p11.2.
Variant type: single nucleotide variant.
Coding change: c.63+23G>A on transcript NM_015681.6 (MANE Select); 23 bases into the intron after coding-DNA position 63, G replaced by A.
Molecular consequence: intron variant.
Genome position (GRCh38, 1-based): chr17:19,362,484, C>T on the plus strand (G>A on the coding strand, the complement: B9D1 is on the minus strand). VCF-style: chr17-19362484-C-T. GRCh37 (hg19) VCF-style: chr17-19265797-C-T.
Other names: c.-297-2096G>A (NM_001368769.2); c.63+23G>A (NM_001321219.2, NM_001321218.2, NM_001321217.2 and 4 more transcripts).
Identifiers: ClinVar variation 674719 (VCV000674719.5), dbSNP rs10445411, ClinGen allele CA8440386.
Genomic context (GRCh38, chr17:19,362,484, plus strand): 5'-GCCACAGGGCAGCCCGGGGGGTTGCGGGAAGGGCCCCGGGGGACGCTGGGGGGCGGGCCC[C>T]GGCGGGGTCCACGGCCGCTCACCTGGGCGCTCTCCACCTGCCCGTTGACCATGAGTAGAA-3'

ClinVar aggregate classification (germline): Benign. Review status: criteria provided, multiple submitters, no conflicts (2 of 4 stars). 4 submissions from 3 submitters: Benign (4). Last evaluated 2021-07-14.

Conditions:
Joubert syndrome 27 (JBTS27). Identifiers: MedGen C4310706, MONDO:0014927, OMIM 617120.
Meckel syndrome, type 9 (MKS9). Identifiers: Orphanet 564, MedGen C3280155, MONDO:0013630, OMIM 614209.

Allele frequency attached by ClinVar (database versions not stated): 1000 Genomes Project 0.30371; 1000 Genomes Project 30x 0.30528; TOPMed 0.52165; gnomAD 0.54955 and 0.56182; gnomAD exomes 0.57931 and 0.72744; ESP Exome Variant Server 0.61260; ExAC 0.65508.
gnomAD v4.1: 1,086,176 of 1,534,130 alleles (71%); highest among the groups gnomAD compares: Non-Finnish European, 80%; 418,472 homozygotes.

Submissions (4):

Genome-Nilou Lab
Classification: Benign for Joubert syndrome 27. Last evaluated: 2021-07-14. Review status: criteria provided, single submitter. Criteria: ACMG Guidelines, 2015. Collection method: clinical testing. Allele origin: germline. Affected: no.

Genome-Nilou Lab
Classification: Benign for Meckel syndrome, type 9. Last evaluated: 2021-07-14. Review status: criteria provided, single submitter. Criteria: ACMG Guidelines, 2015. Collection method: clinical testing. Allele origin: germline. Affected: no.

GeneDx
Classification: Benign. Last evaluated: 2018-06-14. Review status: criteria provided, single submitter. Criteria: GeneDx Variant Classification (06012015). Collection method: clinical testing. Allele origin: germline. Affected: yes.
Comment: This variant is considered likely benign or benign based on one or more of the following criteria: it is a conservative change, it occurs at a poorly conserved position in the protein, it is predicted to be benign by multiple in silico algorithms, and/or has population frequency not consistent with disease.

Breakthrough Genomics
Classification: Benign. Review status: criteria provided, single submitter. Criteria: ACMG Guidelines, 2015. Collection method: not provided. Allele origin: germline. Inheritance: Autosomal recessive inheritance. Affected: yes.